The following is an entry in ClinVar:

ClinVar aggregate classification (germline): Uncertain significance (1 of 4 stars; one submission).

Conditions:
Developmental and epileptic encephalopathy, 14 (DEE14). Also called: Early infantile epileptic encephalopathy 14. Identifiers: Orphanet 293181, MedGen C3554195, MONDO:0013989, OMIM 614959.
Autosomal dominant nocturnal frontal lobe epilepsy 5. Also called: Epilepsy, nocturnal frontal lobe, 5; KCNT1-Related Epilepsy; CILIARY DYSKINESIA, PRIMARY, 28, WITHOUT SITUS INVERSUS; CILIARY DYSKINESIA, PRIMARY, 28, WITH SITUS INVERSUS. Identifiers: Orphanet 98784, MedGen C3554306, MONDO:0014002, OMIM 615005.

Allele frequency attached by ClinVar (database versions not stated): ExAC below 0.00001; TOPMed below 0.00001; gnomAD 0.00001.
gnomAD v4.1: 6 of 1,432,670 alleles (0.00042%); highest among the groups gnomAD compares: Non-Finnish European, 0.00056%; no homozygotes.

Submission:

Labcorp Genetics (formerly Invitae), Labcorp
Classification: Uncertain significance for Autosomal dominant nocturnal frontal lobe epilepsy 5; Developmental and epileptic encephalopathy, 14. Last evaluated: 2025-05-25. Review status: criteria provided, single submitter. Criteria: Invitae Variant Classification Sherloc (09022015). Collection method: clinical testing. Allele origin: germline.
Comment: This sequence change replaces aspartic acid, which is acidic and polar, with histidine, which is basic and polar, at codon 83 of the KCNT1 protein (p.Asp83His). This variant is not present in population databases (gnomAD no frequency). This variant has not been reported in the literature in individuals affected with KCNT1-related conditions. ClinVar contains an entry for this variant (Variation ID: 640345). Invitae Evidence Modeling of protein sequence and biophysical properties (such as structural, functional, and spatial information, amino acid conservation, physicochemical variation, residue mobility, and thermodynamic stability) indicates that this missense variant is not expected to disrupt KCNT1 protein function with a negative predictive value of 95%. In summary, the available evidence is currently insufficient to determine the role of this variant in disease. Therefore, it has been classified as a Variant of Uncertain Significance.

NM_020822.3(KCNT1):c.247G>C (p.Asp83His)

Gene: KCNT1 (potassium sodium-activated channel subfamily T member 1; plus strand). Cytogenetic location: 9q34.3.
Variant type: single nucleotide variant.
Coding change: c.247G>C on transcript NM_020822.3 (MANE Select); coding-DNA position 247, G replaced by C.
Protein change: p.Asp83His; replaces aspartic acid 83 with histidine.
Molecular consequence: missense variant. On other transcripts: intron variant (1).
Genome position (GRCh38, 1-based): chr9:135,714,713, G>C. VCF-style: chr9-135714713-G-C. GRCh37 (hg19) VCF-style: chr9-138606559-G-C.
Other names: c.110+12345G>C (NM_001272003.2); short protein forms D83H.
Identifiers: ClinVar variation 640345 (VCV000640345.7), dbSNP rs774085172, ClinGen allele CA5326309.